The following is an entry in ClinVar:

ClinVar aggregate classification (germline): Uncertain significance (1 of 4 stars; one submission).

Submission:

GeneDx
Classification: Uncertain significance. Last evaluated: 2025-07-16. Review status: criteria provided, single submitter. Criteria: GeneDx Variant Classification Process June 2021. Collection method: clinical testing. Allele origin: germline. Affected: yes.
Comment: Not observed at significant frequency in large population cohorts (gnomAD); Nonsense variant predicted to result in protein truncation or nonsense mediated decay in a gene or region of a gene for which loss-of-function is not an established mechanism of disease; Has not been previously published as pathogenic or benign to our knowledge

NM_138572.3(TAF8):c.742C>T (p.Gln248Ter)

Gene: TAF8 (TATA-box binding protein associated factor 8; plus strand). Cytogenetic location: 6p21.1.
Variant type: single nucleotide variant.
Coding change: c.742C>T on transcript NM_138572.3 (MANE Select); coding-DNA position 742, C replaced by T.
Protein change: p.Gln248Ter; replaces glutamine 248 with a stop codon.
Molecular consequence: nonsense. On other transcripts: intron variant (3).
Genome position (GRCh38, 1-based): chr6:42,068,569, C>T. VCF-style: chr6-42068569-C-T. GRCh37 (hg19) VCF-style: chr6-42036307-C-T.
Other names: c.742C>T, p.Gln248Ter (NM_001410906.1, NM_001410907.1, NM_001438580.1); c.490-8531C>T (NM_001438582.1, NM_001438057.1, NM_001438581.1); short protein forms Q248*.
Identifiers: ClinVar variation 4686254 (VCV004686254.1).
Genomic context (GRCh38, chr6:42,068,569, plus strand): 5'-CTTCCGTCTGAACTGGAGATGCAACAAATGGAAGAGACAGATTCCTCGGAGCAGGATGAA[C>T]AGACAGACACAGAGAACCTTGCTCTTCATATCAGCATGGTGGGTTCCACCTTCTGCCTAC-3'